The following is an entry in ClinVar:

ClinVar aggregate classification (germline): Conflicting classifications of pathogenicity. Review status: criteria provided, conflicting classifications (1 of 4 stars). 3 submissions from 3 submitters: Uncertain significance (2); Likely benign (1). Last evaluated 2025-11-17.

Conditions:
Cardiovascular phenotype. Identifiers: MedGen CN230736.
Arrhythmogenic right ventricular dysplasia 11. Also called: Arrhythmogenic Right Ventricular Dysplasia/Cardiomyopathy11; ARRHYTHMOGENIC RIGHT VENTRICULAR DYSPLASIA, FAMILIAL, 11; Arrhythmogenic right ventricular dysplasia 11 with mild palmoplantar keratoderma and woolly hair. Identifiers: MedGen C1864850, MONDO:0012506, OMIM 610476.
Cardiomyopathy (CMYO). Also called: Cardiomyopathies. Identifiers: Orphanet 167848, MedGen C0878544, MONDO:0004994, HP:0001638. Inheritance: Various modes of inheritance.

Allele frequency attached by ClinVar (database versions not stated): gnomAD exomes 0.00004 and 0.00002; TOPMed 0.00014.
gnomAD v4.1: 25 of 1,613,984 alleles (0.0015%); highest among the groups gnomAD compares: Admixed American, 0.042%; no homozygotes.

Submissions (3):

Color Diagnostics, LLC DBA Color Health
Classification: Uncertain significance for Cardiomyopathy. Last evaluated: 2025-11-17. Review status: criteria provided, single submitter. Criteria: ACMG Guidelines, 2015. Collection method: clinical testing. Allele origin: germline.
Comment: This missense variant replaces threonine with isoleucine at codon 305 of the DSC2 protein. Computational prediction suggests that this variant may not impact protein structure and function. To our knowledge, functional studies have not been reported for this variant. This variant has not been reported in individuals affected with cardiovascular disorders in the literature. This variant has been identified in 10/251440 chromosomes in the general population by the Genome Aggregation Database (gnomAD). The available evidence is insufficient to determine the role of this variant in disease conclusively. Therefore, this variant is classified as a Variant of Uncertain Significance.

Labcorp Genetics (formerly Invitae), Labcorp
Classification: Uncertain significance for Arrhythmogenic right ventricular dysplasia 11. Last evaluated: 2025-10-28. Review status: criteria provided, single submitter. Criteria: Invitae Variant Classification Sherloc (09022015). Collection method: clinical testing. Allele origin: germline.
Comment: This sequence change replaces threonine, which is neutral and polar, with isoleucine, which is neutral and non-polar, at codon 305 of the DSC2 protein (p.Thr305Ile). This variant is present in population databases (no rsID available, gnomAD 0.03%). This variant has not been reported in the literature in individuals affected with DSC2-related conditions. ClinVar contains an entry for this variant (Variation ID: 1171073). Invitae Evidence Modeling of protein sequence and biophysical properties (such as structural, functional, and spatial information, amino acid conservation, physicochemical variation, residue mobility, and thermodynamic stability) indicates that this missense variant is not expected to disrupt DSC2 protein function with a negative predictive value of 80%. In summary, the available evidence is currently insufficient to determine the role of this variant in disease. Therefore, it has been classified as a Variant of Uncertain Significance.

Ambry Genetics
Classification: Likely benign for Cardiovascular phenotype. Last evaluated: 2023-02-16. Review status: criteria provided, single submitter. Criteria: Ambry Variant Classification Scheme 2023. Collection method: clinical testing. Allele origin: germline.

NM_024422.6(DSC2):c.914C>T (p.Thr305Ile)

Gene: DSC2 (desmocollin 2; minus strand). Cytogenetic location: 18q12.1.
Variant type: single nucleotide variant.
Coding change: c.914C>T on transcript NM_024422.6 (MANE Select); coding-DNA position 914, C replaced by T.
Protein change: p.Thr305Ile; replaces threonine 305 with isoleucine.
Molecular consequence: missense variant.
Genome position (GRCh38, 1-based): chr18:31,086,604, G>A on the plus strand (C>T on the coding strand, the complement: DSC2 is on the minus strand). VCF-style: chr18-31086604-G-A. GRCh37 (hg19) VCF-style: chr18-28666567-G-A.
Other names: c.914C>T, p.Thr305Ile (NM_004949.5); short protein forms T305I.
Identifiers: ClinVar variation 1171073 (VCV001171073.8), dbSNP rs1270395120, ClinGen allele CA402111844.